The following is an entry in ClinVar:

NM_000187.4(HGD):c.1081G>A (p.Gly361Arg)

Gene: HGD (homogentisate 1,2-dioxygenase; minus strand). Cytogenetic location: 3q13.33.
Variant type: single nucleotide variant.
Coding change: c.1081G>A on transcript NM_000187.4 (MANE Select); coding-DNA position 1081, G replaced by A.
Protein change: p.Gly361Arg; replaces glycine 361 with arginine.
Molecular consequence: missense variant.
Genome position (GRCh38, 1-based): chr3:120,633,254, C>T on the plus strand (G>A on the coding strand, the complement: HGD is on the minus strand). VCF-style: chr3-120633254-C-T. GRCh37 (hg19) VCF-style: chr3-120352101-C-T.
Other names: short protein forms G361R.
Identifiers: ClinVar variation 550415 (VCV000550415.5), dbSNP rs765219004, ClinGen allele CA354072879.

ClinVar aggregate classification (germline): Likely pathogenic. Review status: criteria provided, multiple submitters, no conflicts (2 of 4 stars). 4 submissions from 4 submitters: Likely pathogenic (2). 2 of the submissions do not count toward it. Last evaluated 2025-08-04.

Conditions:
Alkaptonuria (AKU). Also called: HOMOGENTISIC ACID OXIDASE DEFICIENCY; Alcaptonuria; Homogentisic acidura; Alkaptonuric ochronosis. Identifiers: Orphanet 56, MedGen C0002066, MONDO:0008753, OMIM 203500.
HGD-related disorder. Also called: HGD-related condition.

gnomAD v4.1: 51 of 1,614,014 alleles (0.0032%); highest among the groups gnomAD compares: Non-Finnish European, 0.0042%; no homozygotes.

Submissions (4):

PreventionGenetics, part of Exact Sciences
Classification: Likely pathogenic for HGD-related condition. Last evaluated: 2025-08-04. Review status: criteria provided, single submitter. Criteria: ACMG Guidelines, 2015. Collection method: clinical testing. Allele origin: germline.
Comment: The HGD c.1081G>A variant is predicted to result in the amino acid substitution p.Gly361Arg. This variant has been reported with a second HGD variant in individuals with alkaptonuria (Zatkova et al. 2012. PubMed ID: 23430897; S1 Table, Ascher et al. 2019. PubMed ID: 30737480; DB-ID AKU_00143). Experimental studies indicate this variant reduces enzyme activity (Lequeue et al. 2022. PubMed ID: 36376482). This variant is reported in 0.00088% of alleles in individuals of European (Non-Finnish) descent in gnomAD. This variant is interpreted as likely pathogenic.

Myriad Genetics, Inc.
Classification: Likely pathogenic for Alkaptonuria. Last evaluated: 2025-03-18. Review status: criteria provided, single submitter. Criteria: Myriad Autosomal Dominant, Autosomal Recessive and X-Linked Classification Criteria (2023). Collection method: clinical testing. Allele origin: unknown.
Comment: NM_000187.3(HGD):c.1081G>A(G361R) is a missense variant classified as likely pathogenic in the context of alkaptonuria. G361R has been observed in cases with relevant disease (PMID: 34504318, 23430897, 30737480). Relevant functional assessments of this variant are not available in the literature. Internal structural analysis of the variant is supportive of pathogenicity. G361R has been observed in referenced population frequency databases. In summary, NM_000187.3(HGD):c.1081G>A(G361R) is a missense variant that has internal structural support for pathogenicity and has been observed more frequently in cases with the relevant disease than in healthy populations. Please note: this variant was assessed in the context of healthy population screening.

Counsyl
Classification: Uncertain significance for Alkaptonuria. Last evaluated: 2017-01-24. Review status: no assertion criteria provided. Collection method: clinical testing. Allele origin: unknown. Not counted in ClinVar's aggregate classification.

Department Of Human Genetics, Institute Of Clinical And Translational Research, Biomedical Research Center, Slovak Academy Of Sciences
Classification: Pathogenic for Alkaptonuria. Review status: no assertion criteria provided. Collection method: research. Allele origin: germline. Inheritance: Autosomal recessive inheritance. Affected: yes. Observed: 5 variant alleles. Not counted in ClinVar's aggregate classification.
Comment: The variant was originally described in AKU patient in PMID:23430897. It has been submitted to the HGD gene mutation database (DB-ID: AKU_00143).

Literature cited by the submitters: PubMed 23430897 (cited by 3 submitters); PubMed 30737480 (cited by Myriad Genetics, Inc.); PubMed 34504318 (cited by Myriad Genetics, Inc.).